The following is an entry in ClinVar:

ClinVar aggregate classification (germline): Uncertain significance. Review status: criteria provided, multiple submitters, no conflicts (2 of 4 stars). 3 submissions from 3 submitters: Uncertain significance (3). Last evaluated 2025-08-01.

Conditions:
Inborn genetic diseases. Identifiers: MedGen C0950123, MeSH D030342.
Hyperphosphatasia with impaired intellectual development syndrome 3. Also called: Hyperphosphatasia with intellectual disability syndrome 3; GLYCOSYLPHOSPHATIDYLINOSITOL BIOSYNTHESIS DEFECT 8. Identifiers: Orphanet 247262, MedGen C3280153, MONDO:0013628, OMIM 614207.

Allele frequency attached by ClinVar (database versions not stated): gnomAD 0.00008 and 0.00007; 1000 Genomes Project 30x 0.00031; gnomAD exomes 0.00001 and 0.00002; TOPMed 0.00018; 1000 Genomes Project 0.00020; ExAC 0.00002; ESP Exome Variant Server 0.00008.
gnomAD v4.1: 34 of 1,614,180 alleles (0.0021%); highest among the groups gnomAD compares: African/African-American, 0.021%; no homozygotes.

Submissions (3):

Dasa
Classification: Uncertain significance for Hyperphosphatasia with impaired intellectual development syndrome 3. Last evaluated: 2025-08-01. Review status: criteria provided, single submitter. Criteria: DASA Assertion Criteria. Collection method: clinical testing. Allele origin: germline.
Comment: NM_014489.4(PGAP2):c.602-3C>T is a splice-region variant. This variant is rare in population databases. Computational prediction algorithms are consistent with a benign effect. The currently available literature and clinical evidence are not sufficient to establish a definitive association between this variant and the reported condition. Therefore, this variant is classified as a variant of uncertain significance.

Labcorp Genetics (formerly Invitae), Labcorp
Classification: Uncertain significance. Last evaluated: 2024-02-17. Review status: criteria provided, single submitter. Criteria: Invitae Variant Classification Sherloc (09022015). Collection method: clinical testing. Allele origin: germline.
Comment: This sequence change falls in intron 3 of the PGAP2 gene. It does not directly change the encoded amino acid sequence of the PGAP2 protein. It affects a nucleotide within the consensus splice site. This variant is present in population databases (rs202073184, gnomAD 0.008%). This variant has not been reported in the literature in individuals affected with PGAP2-related conditions. ClinVar contains an entry for this variant (Variation ID: 1511828). Variants that disrupt the consensus splice site are a relatively common cause of aberrant splicing (PMID: 17576681, 9536098). Algorithms developed to predict the effect of sequence changes on RNA splicing suggest that this variant is not likely to affect RNA splicing. In summary, the available evidence is currently insufficient to determine the role of this variant in disease. Therefore, it has been classified as a Variant of Uncertain Significance.

Ambry Genetics
Classification: Uncertain significance for Inborn genetic diseases. Last evaluated: 2020-11-19. Review status: criteria provided, single submitter. Criteria: Ambry Variant Classification Scheme 2023. Collection method: clinical testing. Allele origin: germline.
Comment: The c.602-3C>T intronic alteration consists of a C to T substitution 3 nucleotides before coding exon 4 in the PGAP2 gene. In silico splice site analysis predicts that this alteration will not have any significant effect on splicing. Based on insufficient or conflicting evidence, the clinical significance of this alteration remains unclear.

Literature cited by the submitters: PubMed 17576681 (cited by Labcorp Genetics (formerly Invitae), Labcorp); PubMed 9536098 (cited by Labcorp Genetics (formerly Invitae), Labcorp).

NM_014489.4(PGAP2):c.602-3C>T

Gene: PGAP2 (post-GPI attachment to proteins 2; plus strand). Cytogenetic location: 11p15.4.
Variant type: single nucleotide variant.
Coding change: c.602-3C>T on transcript NM_014489.4 (MANE Select); 3 bases into the intron before coding-DNA position 602, C replaced by T.
Molecular consequence: intron variant.
Genome position (GRCh38, 1-based): chr11:3,824,267, C>T. VCF-style: chr11-3824267-C-T. GRCh37 (hg19) VCF-style: chr11-3845497-C-T.
Other names: c.473-3C>T (NM_001256235.2); c.162-3C>T (NM_001283040.1); c.429-3C>T (NM_001346401.2, NM_001346399.2); c.572-3C>T (NM_001346397.2); c.602-3C>T (NM_001256236.2, NM_001346403.1); c.539-3C>T (NM_001346402.2); c.419-3C>T (NM_001256237.2, NM_001283038.2, NM_001145438.3 and 7 more transcripts); c.342-3C>T (NM_001283039.2).
Identifiers: ClinVar variation 1511828 (VCV001511828.8), dbSNP rs202073184, ClinGen allele CA5829828.